The following is an entry in ClinVar:

ClinVar aggregate classification (germline): Uncertain significance. Review status: criteria provided, multiple submitters, no conflicts (2 of 4 stars). 3 submissions from 3 submitters: Uncertain significance (2). 1 of the submissions does not count toward it. Last evaluated 2024-10-25.

Conditions:
Mucopolysaccharidosis, MPS-III-B (MPS3B). Also called: MPS III B; MUCOPOLYSACCHARIDOSIS, TYPE IIIB; N-ACETYL-ALPHA-D-GLUCOSAMINIDASE DEFICIENCY; NAGLU DEFICIENCY; SANFILIPPO SYNDROME B; Mucopolysaccharidosis type IIIB (Sanfilippo B). Identifiers: Orphanet 79270, MedGen C0086648, MONDO:0009656, OMIM 252920.
NAGLU-related disorder. Also called: NAGLU-related condition.
Charcot-Marie-Tooth disease axonal type 2V. Also called: CHARCOT-MARIE-TOOTH NEUROPATHY, TYPE 2V; CHARCOT-MARIE-TOOTH DISEASE, AXONAL, AUTOSOMAL DOMINANT, TYPE 2V. Identifiers: Orphanet 447964, MedGen C5569050, MONDO:0014665, OMIM 616491.

Allele frequency attached by ClinVar (database versions not stated): gnomAD 0.00003 and 0.00004; ExAC 0.00002; TOPMed 0.00005; gnomAD exomes 0.00002; ESP Exome Variant Server 0.00008.
gnomAD v4.1: 32 of 1,614,132 alleles (0.002%); highest among the groups gnomAD compares: African/African-American, 0.0093%; no homozygotes.

Submissions (4):

Labcorp Genetics (formerly Invitae), Labcorp
Classification: Uncertain significance for Charcot-Marie-Tooth disease axonal type 2V; Mucopolysaccharidosis, MPS-III-B. Last evaluated: 2024-10-25. Review status: criteria provided, single submitter. Criteria: Invitae Variant Classification Sherloc (09022015). Collection method: clinical testing. Allele origin: germline.
Comment: This sequence change replaces asparagine, which is neutral and polar, with serine, which is neutral and polar, at codon 190 of the NAGLU protein (p.Asn190Ser). This variant is present in population databases (rs375458666, gnomAD 0.007%). This variant has not been reported in the literature in individuals affected with NAGLU-related conditions. ClinVar contains an entry for this variant (Variation ID: 577264). Invitae Evidence Modeling of protein sequence and biophysical properties (such as structural, functional, and spatial information, amino acid conservation, physicochemical variation, residue mobility, and thermodynamic stability) indicates that this missense variant is not expected to disrupt NAGLU protein function with a negative predictive value of 95%. In summary, the available evidence is currently insufficient to determine the role of this variant in disease. Therefore, it has been classified as a Variant of Uncertain Significance.

PreventionGenetics, part of Exact Sciences
Classification: Uncertain significance for NAGLU-related condition. Last evaluated: 2023-04-03. Review status: criteria provided, single submitter. Criteria: ACMG Guidelines, 2015. Collection method: clinical testing. Allele origin: germline.
Comment: The NAGLU c.569A>G variant is predicted to result in the amino acid substitution p.Asn190Ser. To our knowledge, this variant has not been reported in the literature. This variant is reported in 0.0062% of alleles in individuals of African descent in gnomAD. At this time, the clinical significance of this variant is uncertain due to the absence of conclusive functional and genetic evidence.

Natera, Inc.
Classification: Uncertain significance for Mucopolysaccharidosis type IIIB. Last evaluated: 2020-09-16. Review status: no assertion criteria provided. Collection method: clinical testing. Allele origin: germline. Not counted in ClinVar's aggregate classification.

Dr. Peter K. Rogan Lab, Western University
No classification provided (evidence only). Condition: Cervical cancer. Review status: no classification provided. Collection method: in vitro. Allele origin: not applicable. Functional consequence: retained intron. Not counted in ClinVar's aggregate classification.

NM_000263.4(NAGLU):c.569A>G (p.Asn190Ser)

Gene: NAGLU (N-acetyl-alpha-glucosaminidase; plus strand). Cytogenetic location: 17q21.2.
Variant type: single nucleotide variant.
Coding change: c.569A>G on transcript NM_000263.4 (MANE Select); coding-DNA position 569, A replaced by G.
Protein change: p.Asn190Ser; replaces asparagine 190 with serine.
Molecular consequence: missense variant.
Genome position (GRCh38, 1-based): chr17:42,538,376, A>G. VCF-style: chr17-42538376-A-G. GRCh37 (hg19) VCF-style: chr17-40690394-A-G.
Other names: short protein forms N190S.
Identifiers: ClinVar variation 577264 (VCV000577264.8), dbSNP rs375458666, ClinGen allele CA8576796.